The following is an entry in ClinVar:

ClinVar aggregate classification (germline): Uncertain significance. Review status: criteria provided, multiple submitters, no conflicts (2 of 4 stars). 2 submissions from 2 submitters: Uncertain significance (2). Last evaluated 2026-03-04.

Conditions:
Hereditary cancer-predisposing syndrome. Also called: Hereditary neoplastic syndrome; Tumor predisposition; Neoplastic Syndromes, Hereditary; Hereditary Cancer Syndrome. Identifiers: Orphanet 140162, MedGen C0027672, MeSH D009386, MONDO:0015356.

Submissions (2):

Ambry Genetics
Classification: Uncertain significance for Hereditary cancer-predisposing syndrome. Last evaluated: 2026-03-04. Review status: criteria provided, single submitter. Criteria: Ambry Variant Classification Scheme 2023. Collection method: clinical testing. Allele origin: germline.
Comment: The p.P63T variant (also known as c.187C>A), located in coding exon 2 of the FH gene, results from a C to A substitution at nucleotide position 187. The proline at codon 63 is replaced by threonine, an amino acid with highly similar properties. This amino acid position is highly conserved in available vertebrate species. In addition, this alteration is predicted to be deleterious by in silico analysis. Based on the available evidence, the clinical significance of this variant remains unclear.

GeneDx
Classification: Uncertain significance. Last evaluated: 2021-05-17. Review status: criteria provided, single submitter. Criteria: GeneDx Variant Classification Process June 2021. Collection method: clinical testing. Allele origin: germline. Affected: yes.
Comment: Not observed in large population cohorts (Lek 2016); In silico analysis supports that this missense variant has a deleterious effect on protein structure/function; Has not been previously published as pathogenic or benign to our knowledge

NM_000143.4(FH):c.187C>A (p.Pro63Thr)

Gene: FH (fumarate hydratase; minus strand). Cytogenetic location: 1q43.
Variant type: single nucleotide variant.
Coding change: c.187C>A on transcript NM_000143.4 (MANE Select); coding-DNA position 187, C replaced by A.
Protein change: p.Pro63Thr; replaces proline 63 with threonine.
Molecular consequence: missense variant.
Genome position (GRCh38, 1-based): chr1:241,517,262, G>T on the plus strand (C>A on the coding strand, the complement: FH is on the minus strand). VCF-style: chr1-241517262-G-T. GRCh37 (hg19) VCF-style: chr1-241680562-G-T.
Other names: short protein forms P63T.
Identifiers: ClinVar variation 1326115 (VCV001326115.4), dbSNP rs1573888488, ClinGen allele CA345441890.
Genomic context (GRCh38, chr1:241,517,262, plus strand): 5'-CTCCAATCTTAAAGTTCATCGTAGATCTCACGGTCTGGGCGCCATAATACTTATCATTTG[G>T]CACCTTTAGTTCACCAAAGGTATCATATTCTATCCGGAAGGAATTTTGGCTTGCCTAAAG-3'
Protein context (NP_000134.2, residues 53-73): EYDTFGELKV[Pro63Thr]NDKYYGAQTV